The following is an entry in ClinVar:

ClinVar aggregate classification (germline): Uncertain significance. Review status: criteria provided, multiple submitters, no conflicts (2 of 4 stars). 2 submissions from 2 submitters: Uncertain significance (2). Last evaluated 2025-10-14.

Allele frequency attached by ClinVar (database versions not stated): TOPMed below 0.00001; gnomAD exomes 0.00001 and 0.00003.
gnomAD v4.1: 5 of 1,551,842 alleles (0.00032%); highest among the groups gnomAD compares: Admixed American, 0.0078%; no homozygotes.

Submissions (2):

Ambry Genetics
Classification: Uncertain significance. Last evaluated: 2025-10-14. Review status: criteria provided, single submitter. Criteria: Ambry Variant Classification Scheme 2023. Collection method: clinical testing. Allele origin: germline.

Labcorp Genetics (formerly Invitae), Labcorp
Classification: Uncertain significance. Last evaluated: 2022-06-03. Review status: criteria provided, single submitter. Criteria: Invitae Variant Classification Sherloc (09022015). Collection method: clinical testing. Allele origin: germline.
Comment: This sequence change replaces glutamine, which is neutral and polar, with lysine, which is basic and polar, at codon 332 of the KPNA7 protein (p.Gln332Lys). This variant is present in population databases (no rsID available, gnomAD 0.01%). This variant has not been reported in the literature in individuals affected with KPNA7-related conditions. ClinVar contains an entry for this variant (Variation ID: 1063190). Algorithms developed to predict the effect of missense changes on protein structure and function output the following: SIFT: "Tolerated"; PolyPhen-2: "Benign"; Align-GVGD: "Class C0". The lysine amino acid residue is found in multiple mammalian species, which suggests that this missense change does not adversely affect protein function. In summary, the available evidence is currently insufficient to determine the role of this variant in disease. Therefore, it has been classified as a Variant of Uncertain Significance.

NM_001145715.3(KPNA7):c.994C>A (p.Gln332Lys)

Gene: KPNA7 (karyopherin subunit alpha 7; minus strand). Cytogenetic location: 7q22.1.
Variant type: single nucleotide variant.
Coding change: c.994C>A on transcript NM_001145715.3 (MANE Select); coding-DNA position 994, C replaced by A.
Protein change: p.Gln332Lys; replaces glutamine 332 with lysine.
Molecular consequence: missense variant.
Genome position (GRCh38, 1-based): chr7:99,185,069, G>T on the plus strand (C>A on the coding strand, the complement: KPNA7 is on the minus strand). VCF-style: chr7-99185069-G-T. GRCh37 (hg19) VCF-style: chr7-98782692-G-T.
Other names: c.994C>A (NM_001145715.1); short protein forms Q332K.
Identifiers: ClinVar variation 1063190 (VCV001063190.7), dbSNP rs1484219162, ClinGen allele CA368419356.